The following is an entry in ClinVar:

ClinVar aggregate classification (germline): Likely benign. Review status: criteria provided, multiple submitters, no conflicts (2 of 4 stars). 4 submissions from 4 submitters: Likely benign (3). 1 of the submissions does not count toward it. Last evaluated 2026-09-01.

Conditions:
Mucolipidosis type II. Also called: ML II ALPHA/BETA; Mucolipidosis 2; ML 2; Inclusion cell disease; Leroy Disease; N-acetylglucosamine 1phosphotransferase deficiency. Identifiers: Orphanet 576, MedGen C2673377, MONDO:0009650, OMIM 252500.
Pseudo-Hurler polydystrophy. Also called: ML III; ML III ALPHA/BETA; Type III Mucolipidosis; ML IIIA; Mucolipidosis III Alpha/Beta; MUCOLIPIDOSIS IIIA. Identifiers: Orphanet 423461, Orphanet 577, MedGen C0033788, MONDO:0018931, OMIM 252600.

Allele frequency attached by ClinVar (database versions not stated): gnomAD 0.00002; TOPMed 0.00003; gnomAD exomes 0.00004; ExAC 0.00006.
gnomAD v4.1: 59 of 1,613,892 alleles (0.0037%); highest among the groups gnomAD compares: Middle Eastern, 0.033%; no homozygotes.

Submissions (4):

CeGaT Center for Human Genetics Tuebingen
Classification: Likely benign. Last evaluated: 2026-09-01. Review status: criteria provided, single submitter. Criteria: CeGaT Center For Human Genetics Tuebingen Variant Classification Criteria Version 2. Collection method: clinical testing. Allele origin: germline. Affected: yes. Observed: 1 variant allele.
Comment: GNPTAB: BP4, BP7

Labcorp Genetics (formerly Invitae), Labcorp
Classification: Likely benign for Pseudo-Hurler polydystrophy; Mucolipidosis type II. Last evaluated: 2026-01-24. Review status: criteria provided, single submitter. Criteria: Invitae Variant Classification Sherloc (09022015). Collection method: clinical testing. Allele origin: germline.

Blueprint Genetics
Classification: Likely benign. Last evaluated: 2024-09-16. Review status: criteria provided, single submitter. Criteria: ACMG Guidelines, 2015. Collection method: clinical testing. Allele origin: germline.

Natera, Inc.
Classification: Likely benign for Mucolipidosis type II. Last evaluated: 2020-07-29. Review status: no assertion criteria provided. Collection method: clinical testing. Allele origin: germline. Not counted in ClinVar's aggregate classification.

NM_024312.5(GNPTAB):c.1317C>T (p.Ala439=)

Gene: GNPTAB (N-acetylglucosamine-1-phosphate transferase subunits alpha and beta; minus strand). Cytogenetic location: 12q23.2.
Variant type: single nucleotide variant.
Coding change: c.1317C>T on transcript NM_024312.5 (MANE Select); coding-DNA position 1317, C replaced by T.
Protein change: p.Ala439=; no amino-acid change (alanine 439 retained).
Molecular consequence: synonymous variant.
Genome position (GRCh38, 1-based): chr12:101,768,128, G>A on the plus strand (C>T on the coding strand, the complement: GNPTAB is on the minus strand). VCF-style: chr12-101768128-G-A. GRCh37 (hg19) VCF-style: chr12-102161906-G-A.
Identifiers: ClinVar variation 739533 (VCV000739533.13), dbSNP rs781704040, ClinGen allele CA6746652.